The following is an entry in ClinVar:

NM_001613.4(ACTA2):c.460G>A (p.Val154Met)

Gene: ACTA2 (actin alpha 2, smooth muscle; minus strand). Cytogenetic location: 10q23.31.
Variant type: single nucleotide variant.
Coding change: c.460G>A on transcript NM_001613.4 (MANE Select); coding-DNA position 460, G replaced by A.
Protein change: p.Val154Met; replaces valine 154 with methionine.
Molecular consequence: missense variant.
Genome position (GRCh38, 1-based): chr10:88,941,385, C>T on the plus strand (G>A on the coding strand, the complement: ACTA2 is on the minus strand). VCF-style: chr10-88941385-C-T. GRCh37 (hg19) VCF-style: chr10-90701142-C-T.
Other names: c.460G>A, p.Val154Met (NM_001141945.3, NM_001320855.2, NM_001406462.1 and 3 more transcripts); c.349G>A, p.Val117Met (NM_001406466.1); c.331G>A, p.Val111Met (NM_001406467.1, NM_001406468.1, NM_001406469.1); short protein forms V154M, V111M, V117M.
Identifiers: ClinVar variation 577503 (VCV000577503.10), dbSNP rs1477551716, ClinGen allele CA377512376.

ClinVar aggregate classification (germline): Uncertain significance. Review status: criteria provided, multiple submitters, no conflicts (2 of 4 stars). 4 submissions from 4 submitters: Uncertain significance (4). Last evaluated 2025-08-25.

Conditions:
Familial thoracic aortic aneurysm and aortic dissection (TAAD). Also called: Thoracic aortic aneurysms and dissections. Identifiers: Orphanet 91387, MedGen C4707243, MONDO:0019625.
Aortic aneurysm, familial thoracic 6 (AAT6). Also called: FAMILIAL THORACIC AORTIC ANEURYSM WITH LIVEDO RETICULARIS AND IRIS FLOCCULI. Identifiers: MedGen C2673186, MONDO:0012730, OMIM 611788.

Allele frequency attached by ClinVar (database versions not stated): gnomAD exomes below 0.00001 and 0.00001; gnomAD 0.00001; TOPMed 0.00002.
gnomAD v4.1: 10 of 1,613,716 alleles (0.00062%); highest among the groups gnomAD compares: Admixed American, 0.0033%; no homozygotes.

Submissions (4):

Color Diagnostics, LLC DBA Color Health
Classification: Uncertain significance for Familial thoracic aortic aneurysm and aortic dissection. Last evaluated: 2025-08-25. Review status: criteria provided, single submitter. Criteria: ACMG Guidelines, 2015. Collection method: clinical testing. Allele origin: germline.
Comment: This missense variant replaces valine with methionine at codon 154 of the ACTA2 protein. Computational prediction suggests that this variant may have deleterious impact on protein structure and function. To our knowledge, functional studies have not been reported for this variant. This variant has been reported in an individual affected with thoracic aortic aneurysm and dissection, as well as in two unaffected relatives in a family (PMID: 35754816). This variant has been identified in 1/251030 chromosomes in the general population by the Genome Aggregation Database (gnomAD). The available evidence is insufficient to determine the role of this variant in disease conclusively. Therefore, this variant is classified as a Variant of Uncertain Significance.

Labcorp Genetics (formerly Invitae), Labcorp
Classification: Uncertain significance for Aortic aneurysm, familial thoracic 6. Last evaluated: 2024-01-01. Review status: criteria provided, single submitter. Criteria: Invitae Variant Classification Sherloc (09022015). Collection method: clinical testing. Allele origin: germline.
Comment: This sequence change replaces valine, which is neutral and non-polar, with methionine, which is neutral and non-polar, at codon 154 of the ACTA2 protein (p.Val154Met). This variant is present in population databases (no rsID available, gnomAD 0.003%). This missense change has been observed in individual(s) with ACTA2-related conditions (PMID: 35754816; Invitae). ClinVar contains an entry for this variant (Variation ID: 577503). Advanced modeling of protein sequence and biophysical properties (such as structural, functional, and spatial information, amino acid conservation, physicochemical variation, residue mobility, and thermodynamic stability) performed at Invitae indicates that this missense variant is not expected to disrupt ACTA2 protein function with a negative predictive value of 80%. This variant disrupts the p.Val154 amino acid residue in ACTA2. Other variant(s) that disrupt this residue have been observed in individuals with ACTA2-related conditions (PMID: 17994018, 25759435; Invitae), which suggests that this may be a clinically significant amino acid residue. In summary, the available evidence is currently insufficient to determine the role of this variant in disease. Therefore, it has been classified as a Variant of Uncertain Significance.

All of Us Research Program, National Institutes of Health
Classification: Uncertain significance for Familial thoracic aortic aneurysm and aortic dissection. Last evaluated: 2023-11-30. Review status: criteria provided, single submitter. Criteria: ACMG Guidelines, 2015. Collection method: clinical testing. Allele origin: germline. Inheritance: Autosomal dominant inheritance. Observed: 2 variant alleles, 2 heterozygotes.
Comment: This missense variant replaces valine with methionine at codon 154 of the ACTA2 protein. Computational prediction suggests that this variant may have deleterious impact on protein structure and function (internally defined REVEL score threshold >= 0.7, PMID: 27666373). To our knowledge, functional studies have not been reported for this variant. This variant has been reported in an individual affected with thoracic aortic aneurysm and dissection, as well as in two unaffected relatives in a family (PMID: 35754816). This variant has been identified in 1/251030 chromosomes in the general population by the Genome Aggregation Database (gnomAD). The available evidence is insufficient to determine the role of this variant in disease conclusively. Therefore, this variant is classified as a Variant of Uncertain Significance.

This study involves interpretation of variants in research participants for the purpose of population health screening. Participant phenotype was not available at the time of variant classification. Additional details can be found in publication PMID: 35346344, PMCID: PMC8962531

Ambry Genetics
Classification: Uncertain significance for Familial thoracic aortic aneurysm and aortic dissection. Last evaluated: 2021-07-07. Review status: criteria provided, single submitter. Criteria: Ambry Variant Classification Scheme 2023. Collection method: clinical testing. Allele origin: germline.
Comment: The p.V154M variant (also known as c.460G>A), located in coding exon 5 of the ACTA2 gene, results from a G to A substitution at nucleotide position 460. The valine at codon 154 is replaced by methionine, an amino acid with highly similar properties. This amino acid position is conserved. In addition, this alteration is predicted to be deleterious by in silico analysis. Since supporting evidence is limited at this time, the clinical significance of this alteration remains unclear.

Literature cited by the submitters: PubMed 35754816 (cited by 3 submitters); PubMed 17994018 (cited by Labcorp Genetics (formerly Invitae), Labcorp); PubMed 25759435 (cited by Labcorp Genetics (formerly Invitae), Labcorp).